The following is an entry in ClinVar:

NM_006031.6(PCNT):c.7463T>C (p.Leu2488Pro)

Gene: PCNT (pericentrin; plus strand). Cytogenetic location: 21q22.3.
Variant type: single nucleotide variant.
Coding change: c.7463T>C on transcript NM_006031.6 (MANE Select); coding-DNA position 7463, T replaced by C.
Protein change: p.Leu2488Pro; replaces leucine 2488 with proline.
Molecular consequence: missense variant.
Genome position (GRCh38, 1-based): chr21:46,427,764, T>C. VCF-style: chr21-46427764-T-C. GRCh37 (hg19) VCF-style: chr21-47847678-T-C.
Other names: c.7109T>C, p.Leu2370Pro (NM_001315529.2); short protein forms L2488P, L2370P.
Identifiers: ClinVar variation 4991871 (VCV004991871.1).
Genomic context (GRCh38, chr21:46,427,764, plus strand): 5'-AGGGGGTTGAGCTGCAGCCCCGACTCAGTGGCTCAGATCTGGGGGGTCACAGCTCCCTGC[T>C]CGAAAGGCTGGAGAAGATCATCCGTGAGCAGGTGAGTGTCAGCTCTGCCACCAGGCCTCA-3'
Protein context (NP_006022.3, residues 2478-2498): GSDLGGHSSL[Leu2488Pro]ERLEKIIREQ

ClinVar aggregate classification (germline): Uncertain significance (1 of 4 stars; one submission).

Conditions:
PCNT-related disorder. Also called: PCNT-related condition.

Submission:

PreventionGenetics, part of Exact Sciences
Classification: Uncertain significance for PCNT-related condition. Last evaluated: 2026-04-03. Review status: criteria provided, single submitter. Criteria: ACMG Guidelines, 2015. Collection method: clinical testing. Allele origin: germline.
Comment: The PCNT c.7463T>C variant is predicted to result in the amino acid substitution p.Leu2488Pro. To our knowledge, this variant has not been reported in the literature or in a large population database (gnomAD), indicating this variant is rare. At this time, the clinical significance of this variant is uncertain due to the absence of conclusive functional and genetic evidence.